The following is an entry in ClinVar:

NM_213599.3(ANO5):c.246del (p.Phe82fs)

Gene: ANO5 (anoctamin 5; plus strand). Cytogenetic location: 11p14.3.
Variant type: Deletion.
Coding change: c.246del on transcript NM_213599.3 (MANE Select); coding-DNA position 246, one base deleted (T; older notation c.246delT).
Protein change: p.Phe82fs; shifts the reading frame from phenylalanine 82.
Molecular consequence: frameshift variant.
Genome position (GRCh38, 1-based): chr11:22,221,162, T deleted; the last of 4 consecutive T bases (chr11:22,221,159-22,221,162); deleting any one gives the same sequence. VCF-style (leftmost placement, unchanged base first): chr11-22221158-AT-A. GRCh37 (hg19) VCF-style: chr11-22242704-AT-A.
Other names: c.243del, p.Phe81fs (NM_001142649.2); c.204del, p.Phe68fs (NM_001410963.1); c.201del, p.Phe67fs (NM_001410964.1); short protein forms F68fs, F67fs, F82fs, F81fs.
Identifiers: ClinVar variation 2947083 (VCV002947083.3), dbSNP rs1852636503, ClinGen allele CA1957395207.
Genomic context (GRCh38, chr11:22,221,158, plus strand): 5'-TTCAAAAAAATCAGCAAAGCAAAGATTCTATCTTCTTCCGAGATGGGATTAGGCAAATTG[AT>A]TTTGTGCTTTCCTACGTTGATGATGTAAAGAAAGACGCAGAGTTAAAGGCGGTAAGTGCA-3'

ClinVar aggregate classification (germline): Pathogenic (1 of 4 stars; one submission).

Conditions:
Gnathodiaphyseal dysplasia (GDD). Also called: GNATHODIAPHYSEAL SCLEROSIS; OSTEOGENESIS IMPERFECTA WITH UNUSUAL SKELETAL LESIONS. Identifiers: Orphanet 53697, MedGen C1833736, MONDO:0008151, OMIM 166260.
Autosomal recessive limb-girdle muscular dystrophy type 2L (LGMDR12). Also called: Limb-girdle muscular dystrophy, type 2L; MUSCULAR DYSTROPHY, LIMB-GIRDLE, AUTOSOMAL RECESSIVE 12; Limb-Girdle Muscular Dystrophy R12 Anoctamin-5-Related (LGMD-R12). Identifiers: Orphanet 206549, MedGen C1969785, MONDO:0012652, OMIM 611307.

Submission:

Labcorp Genetics (formerly Invitae), Labcorp
Classification: Pathogenic for Autosomal recessive limb-girdle muscular dystrophy type 2L; Gnathodiaphyseal dysplasia. Last evaluated: 2023-04-24. Review status: criteria provided, single submitter. Criteria: Invitae Variant Classification Sherloc (09022015). Collection method: clinical testing. Allele origin: germline.
Comment: For these reasons, this variant has been classified as Pathogenic. This variant has not been reported in the literature in individuals affected with ANO5-related conditions. This variant is not present in population databases (gnomAD no frequency). This sequence change creates a premature translational stop signal (p.Phe82Leufs*9) in the ANO5 gene. It is expected to result in an absent or disrupted protein product. Loss-of-function variants in ANO5 are known to be pathogenic (PMID: 21186264, 23606453, 25891276, 30919934).

Literature cited by the submitters: PubMed 21186264; PubMed 23606453; PubMed 25891276; PubMed 30919934.